The following is an entry in ClinVar:

ClinVar aggregate classification (germline): Uncertain significance. Review status: criteria provided, multiple submitters, no conflicts (2 of 4 stars). 4 submissions from 4 submitters: Uncertain significance (3). 1 of the submissions does not count toward it. Last evaluated 2025-11-14.

Conditions:
Progressive sclerosing poliodystrophy (MTDPS4A). Also called: Mitochondrial DNA Depletion Syndrome 4A; Alpers Syndrome; Alpers-Huttenlocher Syndrome (AHS); ALPERS DIFFUSE DEGENERATION OF CEREBRAL GRAY MATTER WITH HEPATIC CIRRHOSIS; NEURONAL DEGENERATION OF CHILDHOOD WITH LIVER DISEASE, PROGRESSIVE; Mitochondrial DNA depletion syndrome 4A (Alpers type). Identifiers: Orphanet 726, MedGen C0205710, MONDO:0008758, OMIM 203700.
POLG-related disorder. Also called: POLG-Related Spectrum Disorders; POLG-related condition; POLG-Related Disorders. Identifiers: MedGen C4763519.

Submissions (4):

Labcorp Genetics (formerly Invitae), Labcorp
Classification: Uncertain significance for Progressive sclerosing poliodystrophy. Last evaluated: 2025-11-14. Review status: criteria provided, single submitter. Criteria: Invitae Variant Classification Sherloc (09022015). Collection method: clinical testing. Allele origin: germline.
Comment: This variant, c.125_139del, results in the deletion of 5 amino acid(s) of the POLG protein (p.Arg42_Gln46del), but otherwise preserves the integrity of the reading frame. The frequency data for this variant in the population databases is considered unreliable, as metrics indicate poor data quality at this position in the gnomAD database. This variant has not been reported in the literature in individuals affected with POLG-related conditions. ClinVar contains an entry for this variant (Variation ID: 581378). Experimental studies and prediction algorithms are not available or were not evaluated, and the functional significance of this variant is currently unknown. In summary, the available evidence is currently insufficient to determine the role of this variant in disease. Therefore, it has been classified as a Variant of Uncertain Significance.

Blueprint Genetics
Classification: Uncertain significance. Last evaluated: 2021-03-05. Review status: criteria provided, single submitter. Criteria: ACMG Guidelines, 2015. Collection method: clinical testing. Allele origin: germline.

Eurofins Ntd Llc (ga)
Classification: Uncertain significance. Last evaluated: 2017-10-27. Review status: criteria provided, single submitter. Criteria: EGL Classification Definitions 2015. Collection method: clinical testing. Allele origin: germline. Observed: 1 variant allele, 1 heterozygote.

PreventionGenetics, part of Exact Sciences
Classification: Likely benign for POLG-related condition. Last evaluated: 2023-10-24. Review status: no assertion criteria provided. Collection method: clinical testing. Allele origin: germline. Not counted in ClinVar's aggregate classification.
Comment: This variant is classified as likely benign based on ACMG/AMP sequence variant interpretation guidelines (Richards et al. 2015 PMID: 25741868, with internal and published modifications).

NM_002693.3(POLG):c.125_139del (p.Arg42_Gln46del)

Genes: POLG (DNA polymerase gamma, catalytic subunit; minus strand), POLGARF (POLG alternative reading frame; minus strand). Cytogenetic location: 15q26.1.
Variant type: Deletion.
Coding change: c.125_139del on transcript NM_002693.3 (MANE Select); coding-DNA positions 125 to 139, 15 bases deleted (GGCAGCAGCAGCAGC).
Protein change: p.Arg42_Gln46del.
Molecular consequence: inframe deletion.
Genome position (GRCh38, 1-based): chr15:89,333,616-89,333,630, GCTGCTGCTGCTGCC deleted on the plus strand (GGCAGCAGCAGCAGC on the coding strand, the reverse complement: POLG is on the minus strand); deleting any 15 consecutive bases within chr15:89,333,616-89,333,632 gives the same sequence; the c. name uses the placement nearest the transcript's 3' end. VCF-style (leftmost placement, unchanged base first): chr15-89333615-TGCTGCTGCTGCTGCC-T. GRCh37 (hg19) VCF-style: chr15-89876846-TGCTGCTGCTGCTGCC-T.
Other names: c.125_139del, p.Arg42_Gln46del (NM_001126131.2); c.125_139delGGCAGCAGCAGCAGC (NM_002693.2); c.125_139del15 (NM_002693.2).
Identifiers: ClinVar variation 581378 (VCV000581378.14), dbSNP rs780010436, ClinGen allele CA7725190.